The following is an entry in ClinVar:

NM_003072.5(SMARCA4):c.226A>G (p.Met76Val)

Gene: SMARCA4 (SWI/SNF related BAF chromatin remodeling complex subunit ATPase 4; plus strand). Cytogenetic location: 19p13.2.
Variant type: single nucleotide variant.
Coding change: c.226A>G on transcript NM_003072.5 (MANE Select); coding-DNA position 226, A replaced by G.
Protein change: p.Met76Val; replaces methionine 76 with valine.
Molecular consequence: missense variant. On other transcripts: non-coding transcript variant (1).
Genome position (GRCh38, 1-based): chr19:10,985,276, A>G. VCF-style: chr19-10985276-A-G. GRCh37 (hg19) VCF-style: chr19-11095952-A-G.
Other names: c.226A>G, p.Met76Val (NM_001128844.3, NM_001128845.2, NM_001128846.2 and 5 more transcripts); short protein forms M76V.
Identifiers: ClinVar variation 470296 (VCV000470296.16), dbSNP rs1225673675, ClinGen allele CA404055075.
Genomic context (GRCh38, chr19:10,985,276, plus strand): 5'-GCGCTGCCACCTCACGTTCCACATGCTGACCCTGCCTTGCCATGGTCCCTCTCGCAGCCC[A>G]TGGAGTCCATGCATGAGAAGGGCATGTCGGACGACCCGCGCTACAACCAGATGAAAGGAA-3'
Protein context (NP_003063.2, residues 66-86): QDNMHQMHKP[Met76Val]ESMHEKGMSD

ClinVar aggregate classification (germline): Conflicting classifications of pathogenicity. Review status: criteria provided, conflicting classifications (1 of 4 stars). 4 submissions from 4 submitters: Uncertain significance (2); Likely benign (1). 1 of the submissions does not count toward it. Last evaluated 2025-07-30.

Conditions:
SMARCA4-related disorder. Also called: SMARCA4-related condition.
Intellectual disability, autosomal dominant 16 (CSS4). Also called: COFFIN-SIRIS SYNDROME 4. Identifiers: Orphanet 1465, MedGen C3553249, MONDO:0013821, OMIM 614609.
Hereditary cancer-predisposing syndrome. Also called: Hereditary neoplastic syndrome; Neoplastic Syndromes, Hereditary; Tumor predisposition; Hereditary Cancer Syndrome. Identifiers: Orphanet 140162, MedGen C0027672, MeSH D009386, MONDO:0015356.
Rhabdoid tumor predisposition syndrome 2 (RTPS2). Identifiers: Orphanet 231108, Orphanet 69077, MedGen C2750074, MONDO:0013224, OMIM 613325.

Allele frequency attached by ClinVar (database versions not stated): gnomAD exomes below 0.00001; TOPMed 0.00001.
gnomAD v4.1: 1 of 1,613,794 alleles (0.000062%); highest among the groups gnomAD compares: East Asian, 0.0022%; no homozygotes.

Submissions (4):

Labcorp Genetics (formerly Invitae), Labcorp
Classification: Uncertain significance for Rhabdoid tumor predisposition syndrome 2. Last evaluated: 2025-07-30. Review status: criteria provided, single submitter. Criteria: Invitae Variant Classification Sherloc (09022015). Collection method: clinical testing. Allele origin: germline.
Comment: This sequence change replaces methionine, which is neutral and non-polar, with valine, which is neutral and non-polar, at codon 76 of the SMARCA4 protein (p.Met76Val). This variant is not present in population databases (gnomAD no frequency). This variant has not been reported in the literature in individuals affected with SMARCA4-related conditions. ClinVar contains an entry for this variant (Variation ID: 470296). Invitae Evidence Modeling of protein sequence and biophysical properties (such as structural, functional, and spatial information, amino acid conservation, physicochemical variation, residue mobility, and thermodynamic stability) indicates that this missense variant is not expected to disrupt SMARCA4 protein function with a negative predictive value of 95%. In summary, the available evidence is currently insufficient to determine the role of this variant in disease. Therefore, it has been classified as a Variant of Uncertain Significance.

Ambry Genetics
Classification: Likely benign for Hereditary cancer-predisposing syndrome. Last evaluated: 2023-05-23. Review status: criteria provided, single submitter. Criteria: Ambry Variant Classification Scheme 2023. Collection method: clinical testing. Allele origin: germline.

Genome-Nilou Lab
Classification: Uncertain significance for Intellectual disability, autosomal dominant 16. Last evaluated: 2021-07-15. Review status: criteria provided, single submitter. Criteria: ACMG Guidelines, 2015. Collection method: clinical testing. Allele origin: germline. Affected: no.

PreventionGenetics, part of Exact Sciences
Classification: Uncertain significance for SMARCA4-related condition. Last evaluated: 2024-06-03. Review status: no assertion criteria provided. Collection method: clinical testing. Allele origin: germline. Not counted in ClinVar's aggregate classification.
Comment: The SMARCA4 c.226A>G variant is predicted to result in the amino acid substitution p.Met76Val. To our knowledge, this variant has not been reported in the literature or in a large population database, indicating this variant is rare. This variant is classified as uncertain significance and likely benign in ClinVar. At this time, the clinical significance of this variant is uncertain due to the absence of conclusive functional and genetic evidence.